The following is an entry in ClinVar:

ClinVar aggregate classification (germline): Uncertain significance (1 of 4 stars; one submission).

Conditions:
Trichorhinophalangeal dysplasia type I (TRPS1). Also called: TRICHORHINOPHALANGEAL SYNDROME, TYPE I; TRPS I. Identifiers: Orphanet 77258, MedGen C0432233, MONDO:0008596, OMIM 190350.
Trichorhinophalangeal syndrome, type III (TRPS3). Also called: SUGIO-KAJII SYNDROME. Identifiers: Orphanet 77258, MedGen C1860823, OMIM 190351, MONDO:0008597.

Submission:

Labcorp Genetics (formerly Invitae), Labcorp
Classification: Uncertain significance for Trichorhinophalangeal syndrome, type III; Trichorhinophalangeal dysplasia type I. Last evaluated: 2022-10-17. Review status: criteria provided, single submitter. Criteria: Invitae Variant Classification Sherloc (09022015). Collection method: clinical testing. Allele origin: germline.
Comment: In summary, the available evidence is currently insufficient to determine the role of this variant in disease. Therefore, it has been classified as a Variant of Uncertain Significance. Algorithms developed to predict the effect of sequence changes on RNA splicing suggest that this variant may create or strengthen a splice site. This variant has not been reported in the literature in individuals affected with TRPS1-related conditions. This variant is not present in population databases (gnomAD no frequency). This sequence change falls in intron 2 of the TRPS1 gene. It does not directly change the encoded amino acid sequence of the TRPS1 protein.

NM_014112.5(TRPS1):c.37+7G>A

Gene: TRPS1 (transcriptional repressor GATA binding 1; minus strand). Cytogenetic location: 8q23.3.
Variant type: single nucleotide variant.
Coding change: c.37+7G>A on transcript NM_014112.5 (MANE Select); 7 bases into the intron after coding-DNA position 37, G replaced by A.
Molecular consequence: intron variant.
Genome position (GRCh38, 1-based): chr8:115,623,594, C>T on the plus strand (G>A on the coding strand, the complement: TRPS1 is on the minus strand). VCF-style: chr8-115623594-C-T. GRCh37 (hg19) VCF-style: chr8-116635821-C-T.
Other names: c.-2-3534G>A (NM_001330599.2); c.16+21G>A (NM_001282903.3); c.11-3534G>A (NM_001282902.3).
Identifiers: ClinVar variation 2092848 (VCV002092848.4), dbSNP rs1214927652, ClinGen allele CA2580078534.